The following is an entry in ClinVar:

ClinVar aggregate classification (germline): Likely benign (1 of 4 stars; one submission).

Conditions:
PPP1R9B-related disorder. Also called: PPP1R9B-related condition.

gnomAD v4.1: 1 of 1,610,934 alleles (0.000062%); highest among the groups gnomAD compares: African/African-American, 0.0013%; no homozygotes.

Submission:

PreventionGenetics, part of Exact Sciences
Classification: Likely benign for PPP1R9B-related condition. Last evaluated: 2022-06-22. Review status: criteria provided, single submitter. Criteria: ACMG Guidelines, 2015. Collection method: clinical testing. Allele origin: germline.
Comment: This variant is classified as likely benign based on ACMG/AMP sequence variant interpretation guidelines (Richards et al. 2015 PMID: 25741868, with internal and published modifications).

NM_032595.5(PPP1R9B):c.1271C>T (p.Pro424Leu)

Gene: PPP1R9B (protein phosphatase 1 regulatory subunit 9B; minus strand). Cytogenetic location: 17q21.33.
Variant type: single nucleotide variant.
Coding change: c.1271C>T on transcript NM_032595.5 (MANE Select); coding-DNA position 1271, C replaced by T.
Protein change: p.Pro424Leu; replaces proline 424 with leucine.
Molecular consequence: missense variant.
Genome position (GRCh38, 1-based): chr17:50,149,243, G>A on the plus strand (C>T on the coding strand, the complement: PPP1R9B is on the minus strand). VCF-style: chr17-50149243-G-A. GRCh37 (hg19) VCF-style: chr17-48226608-G-A.
Other names: short protein forms P424L.
Identifiers: ClinVar variation 3045707 (VCV003045707.1), dbSNP rs766001724, ClinGen allele CA400195166.
Genomic context (GRCh38, chr17:50,149,243, plus strand): 5'-GCTGGGTCCTCCTCCTCCGACAGCCCCGGGATCTCCACGCACCCCGACTCGGGCTCGTAG[G>A]GGGGCTCCCCATCCTCCTCGTCGTCTTCGTCGTCCTCCTCCAGGGCACTGCCCGCAGAGT-3'
Protein context (NP_115984.3, residues 414-434): DEDDEEDGEP[Pro424Leu]YEPESGCVEI